The following is an entry in ClinVar:

ClinVar aggregate classification (germline): Uncertain significance (1 of 4 stars; one submission).

gnomAD v4.1: 1 of 1,612,326 alleles (0.000062%); highest among the groups gnomAD compares: South Asian, 0.0011%; no homozygotes.

Submission:

Labcorp Genetics (formerly Invitae), Labcorp
Classification: Uncertain significance. Last evaluated: 2025-07-20. Review status: criteria provided, single submitter. Criteria: Invitae Variant Classification Sherloc (09022015). Collection method: clinical testing. Allele origin: germline.
Comment: This sequence change replaces alanine, which is neutral and non-polar, with threonine, which is neutral and polar, at codon 617 of the PACS2 protein (p.Ala617Thr). This variant is not present in population databases (gnomAD no frequency). This variant has not been reported in the literature in individuals affected with PACS2-related conditions. Invitae Evidence Modeling of protein sequence and biophysical properties (such as structural, functional, and spatial information, amino acid conservation, physicochemical variation, residue mobility, and thermodynamic stability) indicates that this missense variant is not expected to disrupt PACS2 protein function with a negative predictive value of 80%. In summary, the available evidence is currently insufficient to determine the role of this variant in disease. Therefore, it has been classified as a Variant of Uncertain Significance.

NM_001100913.3(PACS2):c.1849G>A (p.Ala617Thr)

Gene: PACS2 (phosphofurin acidic cluster sorting protein 2; plus strand). Cytogenetic location: 14q32.33.
Variant type: single nucleotide variant.
Coding change: c.1849G>A on transcript NM_001100913.3 (MANE Select); coding-DNA position 1849, G replaced by A.
Protein change: p.Ala617Thr; replaces alanine 617 with threonine.
Molecular consequence: missense variant.
Genome position (GRCh38, 1-based): chr14:105,384,421, G>A. VCF-style: chr14-105384421-G-A. GRCh37 (hg19) VCF-style: chr14-105850758-G-A.
Other names: c.1612G>A, p.Ala538Thr (NM_001243127.3); c.1837G>A, p.Ala613Thr (NM_015197.4); short protein forms A538T, A613T, A617T.
Identifiers: ClinVar variation 4769698 (VCV004769698.1).